The following is an entry in ClinVar:

NM_000383.4(AIRE):c.1256G>A (p.Cys419Tyr)

Gene: AIRE (autoimmune regulator; plus strand). Cytogenetic location: 21q22.3.
Variant type: single nucleotide variant.
Coding change: c.1256G>A on transcript NM_000383.4 (MANE Select); coding-DNA position 1256, G replaced by A.
Protein change: p.Cys419Tyr; replaces cysteine 419 with tyrosine.
Molecular consequence: missense variant.
Genome position (GRCh38, 1-based): chr21:44,293,153, G>A. VCF-style: chr21-44293153-G-A. GRCh37 (hg19) VCF-style: chr21-45713036-G-A.
Other names: short protein forms C419Y.
Identifiers: ClinVar variation 956768 (VCV000956768.7), dbSNP rs756933733, ClinGen allele CA410425544.
Genomic context (GRCh38, chr21:44,293,153, plus strand): 5'-CTCCGCCTTCTGCAGCCCCGCTGCCAGGGCTGGACTCCTCGGCCCTGCACCCCCTACTGT[G>A]TGTGGGTCCTGAGGGTCAGCAGGTGAGCGGGGAGTGGGGGTCAGGGTGGGCTCTTCAAGG-3'
Protein context (NP_000374.1, residues 409-429): LDSSALHPLL[Cys419Tyr]VGPEGQQNLA

ClinVar aggregate classification (germline): Uncertain significance (1 of 4 stars; one submission).

Conditions:
Polyglandular autoimmune syndrome, type 1 (APS1). Also called: Autoimmune polyendocrine syndrome type 1; Autoimmune polyendocrinopathy syndrome , type I, with or without reversible metaphyseal dysplasia; HYPOADRENOCORTICISM WITH HYPOPARATHYROIDISM AND SUPERFICIAL MONILIASIS; PGA I; AUTOIMMUNE POLYENDOCRINE SYNDROME, TYPE I, WITH OR WITHOUT REVERSIBLE METAPHYSEAL DYSPLASIA; APS I. Identifiers: Orphanet 3453, MedGen C0085859, MONDO:0009411, OMIM 240300.

Submission:

Labcorp Genetics (formerly Invitae), Labcorp
Classification: Uncertain significance for Polyglandular autoimmune syndrome, type 1. Last evaluated: 2021-09-01. Review status: criteria provided, single submitter. Criteria: Invitae Variant Classification Sherloc (09022015). Collection method: clinical testing. Allele origin: germline.
Comment: This sequence change replaces cysteine with tyrosine at codon 419 of the AIRE protein (p.Cys419Tyr). The cysteine residue is moderately conserved and there is a large physicochemical difference between cysteine and tyrosine. This variant is not present in population databases (ExAC no frequency). This variant has not been reported in the literature in individuals affected with AIRE-related conditions. Algorithms developed to predict the effect of missense changes on protein structure and function are either unavailable or do not agree on the potential impact of this missense change (SIFT: "Tolerated"; PolyPhen-2: "Possibly Damaging"; Align-GVGD: "Class C0"). In summary, the available evidence is currently insufficient to determine the role of this variant in disease. Therefore, it has been classified as a Variant of Uncertain Significance.